The following is an entry in ClinVar:

NM_001080.3(ALDH5A1):c.604del (p.Thr202fs)

Gene: ALDH5A1 (aldehyde dehydrogenase 5 family member A1; plus strand). Cytogenetic location: 6p22.3.
Variant type: Deletion.
Coding change: c.604del on transcript NM_001080.3 (MANE Select); coding-DNA position 604, one base deleted (A; older notation c.604delA).
Protein change: p.Thr202fs; shifts the reading frame from threonine 202.
Molecular consequence: frameshift variant.
Genome position (GRCh38, 1-based): chr6:24,503,428, A deleted. VCF-style (leftmost placement, unchanged base first): chr6-24503427-CA-C. GRCh37 (hg19) VCF-style: chr6-24503655-CA-C.
Other names: c.604del, p.Thr202fs (NM_001368954.1, NM_170740.1); c.604delA (NM_001080.3); short protein forms T202fs.
Identifiers: ClinVar variation 1878539 (VCV001878539.1), dbSNP rs2532832933, ClinGen allele CA2580074523.

ClinVar aggregate classification (germline): Likely pathogenic (1 of 4 stars; one submission).

Conditions:
Succinate-semialdehyde dehydrogenase deficiency (SSADHD). Also called: Succinic Semialdehyde Dehydrogenase Deficiency; SSADH DEFICIENCY; 4-HYDROXYBUTYRIC ACIDURIA; GABA METABOLIC DEFECT. Identifiers: Orphanet 22, MedGen C0268631, MONDO:0010083, OMIM 271980.

Submission:

Neuberg Centre For Genomic Medicine, NCGM
Classification: Likely pathogenic for Succinate-semialdehyde dehydrogenase deficiency. Review status: criteria provided, single submitter. Criteria: ACMG Guidelines, 2015. Collection method: clinical testing. Allele origin: germline. Affected: yes.
Comment: The frameshift deletion p.T202Pfs*9 in ALDH5A1 (NM_001080.3) has not been reported previously as a pathogenic variant nor as a benign variant, to our knowledge. The p.T202Pfs*9 variant is novel (not in any individuals) in gnomAD Exomes and is novel (not in any individuals) in 1000 Genomes. This variant is predicted to cause loss of normal protein function through protein truncation. Loss of function mutations have been reported previously to be disease causing. For these reasons, this variant has been classified as Likely Pathogenic.